The following is an entry in ClinVar:

NM_001401501.2(MUC16):c.302-139C>T

Gene: MUC16 (mucin 16, cell surface associated; minus strand). Cytogenetic location: 19p13.2.
Variant type: single nucleotide variant.
Coding change: c.302-139C>T on transcript NM_001401501.2 (MANE Select); 139 bases into the intron before coding-DNA position 302, C replaced by T.
Molecular consequence: intron variant. On other transcripts: missense variant (2).
Genome position (GRCh38, 1-based): chr19:8,981,096, G>A on the plus strand (C>T on the coding strand, the complement: MUC16 is on the minus strand). VCF-style: chr19-8981096-G-A. GRCh37 (hg19) VCF-style: chr19-9091772-G-A.
Other names: c.43C>T, p.Arg15Cys (NM_001414687.1, NM_024690.2); c.728-139C>T (NM_001414686.1); short protein forms R15C.
Identifiers: ClinVar variation 781440 (VCV000781440.6), dbSNP rs74340378, ClinGen allele CA9173675.

ClinVar aggregate classification (germline): Benign. Review status: criteria provided, multiple submitters, no conflicts (2 of 4 stars). 3 submissions from 3 submitters: Benign (2). 1 of the submissions does not count toward it. Last evaluated 2018-08-14.

Conditions:
MUC16-related disorder. Also called: MUC16-related condition.

Allele frequency attached by ClinVar (database versions not stated): 1000 Genomes Project 30x 0.02436; 1000 Genomes Project 0.02256; TOPMed 0.02396; gnomAD exomes 0.00568; gnomAD 0.02179 and 0.02332; ESP Exome Variant Server 0.02191; ExAC 0.00701.

Submissions (3):

Labcorp Genetics (formerly Invitae), Labcorp
Classification: Benign. Last evaluated: 2018-08-14. Review status: criteria provided, single submitter. Criteria: Invitae Variant Classification Sherloc (09022015). Collection method: clinical testing. Allele origin: germline.

Breakthrough Genomics
Classification: Benign. Review status: criteria provided, single submitter. Criteria: ACMG Guidelines, 2015. Collection method: not provided. Allele origin: germline. Inheritance: Unknown mechanism. Affected: yes.

PreventionGenetics, part of Exact Sciences
Classification: Benign for MUC16-related condition. Last evaluated: 2019-10-01. Review status: no assertion criteria provided. Collection method: clinical testing. Allele origin: germline. Not counted in ClinVar's aggregate classification.
Comment: This variant is classified as benign based on ACMG/AMP sequence variant interpretation guidelines (Richards et al. 2015 PMID: 25741868, with internal and published modifications).